The following is an entry in ClinVar:

ClinVar aggregate classification (germline): Uncertain significance. Review status: criteria provided, multiple submitters, no conflicts (2 of 4 stars). 2 submissions from 2 submitters: Uncertain significance (2). Last evaluated 2026-03-16.

Conditions:
Inborn genetic diseases. Identifiers: MedGen C0950123, MeSH D030342.

gnomAD v4.1: 1 of 1,611,570 alleles (0.000062%); highest among the groups gnomAD compares: Non-Finnish European, 0.000085%; no homozygotes.

Submissions (2):

GeneDx
Classification: Uncertain significance. Last evaluated: 2026-03-16. Review status: criteria provided, single submitter. Criteria: GeneDx Variant Classification Process June 2021. Collection method: clinical testing. Allele origin: germline.
Comment: Not observed at significant frequency in large population cohorts (gnomAD); In silico analysis suggests that this missense variant does not alter protein structure/function; Has not been previously published as pathogenic or benign to our knowledge

Ambry Genetics
Classification: Uncertain significance for Inborn genetic diseases. Last evaluated: 2026-03-12. Review status: criteria provided, single submitter. Criteria: Ambry Variant Classification Scheme 2023. Collection method: clinical testing. Allele origin: germline.

NM_001127222.2(CACNA1A):c.325A>T (p.Ile109Leu)

Gene: CACNA1A (calcium voltage-gated channel subunit alpha1 A; minus strand). Cytogenetic location: 19p13.13.
Variant type: single nucleotide variant.
Coding change: c.325A>T on transcript NM_001127222.2 (MANE Select); coding-DNA position 325, A replaced by T.
Protein change: p.Ile109Leu; replaces isoleucine 109 with leucine.
Molecular consequence: missense variant.
Genome position (GRCh38, 1-based): chr19:13,455,181, T>A on the plus strand (A>T on the coding strand, the complement: CACNA1A is on the minus strand). VCF-style: chr19-13455181-T-A. GRCh37 (hg19) VCF-style: chr19-13565995-T-A.
Other names: c.325A>T, p.Ile109Leu (NM_001127221.2, NM_001174080.2, NM_023035.3 and 1 more transcripts); short protein forms I109L.
Identifiers: ClinVar variation 4841278 (VCV004841278.2).